The following is an entry in ClinVar:

NM_001378615.1(CC2D2A):c.717+1G>T

Genes: CC2D2A (coiled-coil and C2 domain containing 2A; plus strand), FBXL5 (F-box and leucine rich repeat protein 5; minus strand). Cytogenetic location: 4p15.32.
Variant type: single nucleotide variant.
Coding change: c.717+1G>T on transcript NM_001378615.1 (MANE Select); the canonical splice donor site of the intron after coding-DNA position 717, G replaced by T.
Molecular consequence: splice donor variant.
Genome position (GRCh38, 1-based): chr4:15,511,424, G>T. VCF-style: chr4-15511424-G-T. GRCh37 (hg19) VCF-style: chr4-15513047-G-T.
Other names: c.717+1G>T (NM_001080522.2); c.570+1G>T (NM_001378617.1).
Identifiers: ClinVar variation 1068429 (VCV001068429.7), dbSNP rs1027674181, ClinGen allele CA92510055.

ClinVar aggregate classification (germline): Likely pathogenic (1 of 4 stars; one submission).

Conditions:
Joubert syndrome. Also called: JOUBERT-BOLTSHAUSER SYNDROME; Familial aplasia of the vermis. Identifiers: Orphanet 475, MedGen C5979921, MONDO:0018772.
Meckel-Gruber syndrome. Also called: DYSENCEPHALIA SPLANCHNOCYSTICA; GRUBER SYNDROME; Dysencephalia splachnocystica. Identifiers: Orphanet 564, MedGen C0265215, MONDO:0018921.

Allele frequency attached by ClinVar (database versions not stated): TOPMed 0.00001.

Submission:

Labcorp Genetics (formerly Invitae), Labcorp
Classification: Likely pathogenic for Joubert syndrome; Meckel-Gruber syndrome. Last evaluated: 2023-02-17. Review status: criteria provided, single submitter. Criteria: Invitae Variant Classification Sherloc (09022015). Collection method: clinical testing. Allele origin: germline.
Comment: This sequence change affects a donor splice site in intron 9 of the CC2D2A gene. It is expected to disrupt RNA splicing. Variants that disrupt the donor or acceptor splice site typically lead to a loss of protein function (PMID: 16199547), and loss-of-function variants in CC2D2A are known to be pathogenic (PMID: 19777577). This variant is not present in population databases (gnomAD no frequency). This variant has not been reported in the literature in individuals affected with CC2D2A-related conditions. ClinVar contains an entry for this variant (Variation ID: 1068429). Algorithms developed to predict the effect of sequence changes on RNA splicing suggest that this variant may disrupt the consensus splice site. In summary, the currently available evidence indicates that the variant is pathogenic, but additional data are needed to prove that conclusively. Therefore, this variant has been classified as Likely Pathogenic.

Literature cited by the submitters: PubMed 16199547; PubMed 19777577.